The following is an entry in ClinVar:

ClinVar aggregate classification (germline): Likely benign (1 of 4 stars; one submission).

Allele frequency attached by ClinVar (database versions not stated): ExAC 0.00007; gnomAD exomes 0.00002; TOPMed 0.00002.
gnomAD v4.1: 17 of 1,524,846 alleles (0.0011%); highest among the groups gnomAD compares: African/African-American, 0.007%; no homozygotes.

Submission:

GeneDx
Classification: Likely benign. Last evaluated: 2017-08-18. Review status: criteria provided, single submitter. Criteria: GeneDx Variant Classification (06012015). Collection method: clinical testing. Allele origin: germline. Affected: yes.
Comment: This variant is considered likely benign or benign based on one or more of the following criteria: it is a conservative change, it occurs at a poorly conserved position in the protein, it is predicted to be benign by multiple in silico algorithms, and/or has population frequency not consistent with disease.

NM_016373.4(WWOX):c.-25G>A

Gene: WWOX (WW domain containing oxidoreductase; plus strand). Cytogenetic location: 16q23.1.
Variant type: single nucleotide variant.
Coding change: c.-25G>A on transcript NM_016373.4 (MANE Select); 25 bases upstream of the start codon, G replaced by A.
Molecular consequence: 5 prime UTR variant. On other transcripts: non-coding transcript variant (2).
Genome position (GRCh38, 1-based): chr16:78,099,754, G>A. VCF-style: chr16-78099754-G-A. GRCh37 (hg19) VCF-style: chr16-78133651-G-A.
Other names: c.-299G>A (NM_001291997.2); c.-25G>A (NM_130791.5).
Identifiers: ClinVar variation 511560 (VCV000511560.1), dbSNP rs773772350, ClinGen allele CA8182966.